The following is an entry in ClinVar:

ClinVar aggregate classification (germline): Uncertain significance (1 of 4 stars; one submission).

Submission:

Labcorp Genetics (formerly Invitae), Labcorp
Classification: Uncertain significance. Last evaluated: 2024-10-18. Review status: criteria provided, single submitter. Criteria: Invitae Variant Classification Sherloc (09022015). Collection method: clinical testing. Allele origin: germline.
Comment: This variant, c.3970_3975del, results in the deletion of 2 amino acid(s) of the NIN protein (p.Val1325_Leu1326del), but otherwise preserves the integrity of the reading frame. This variant is present in population databases (no rsID available, gnomAD 0.002%). This variant has not been reported in the literature in individuals affected with NIN-related conditions. Experimental studies and prediction algorithms are not available or were not evaluated, and the functional significance of this variant is currently unknown. In summary, the available evidence is currently insufficient to determine the role of this variant in disease. Therefore, it has been classified as a Variant of Uncertain Significance.

NM_020921.4(NIN):c.3970_3975del (p.1323VL[1])

Gene: NIN (ninein; minus strand). Cytogenetic location: 14q22.1.
Variant type: Deletion.
Coding change: c.3970_3975del on transcript NM_020921.4 (MANE Select); coding-DNA positions 3970 to 3975, 6 bases deleted (CTGGTT; older notation c.3970_3975delCTGGTT).
Protein change: p.1323VL[1].
Molecular consequence: intron variant (on NM_016350.5).
Genome position (GRCh38, 1-based): chr14:50,757,055-50,757,060, AACCAG deleted on the plus strand (CTGGTT on the coding strand, the reverse complement: NIN is on the minus strand); deleting any 6 consecutive bases within chr14:50,757,055-50,757,063 gives the same sequence; the c. name uses the placement nearest the transcript's 3' end. VCF-style (leftmost placement, unchanged base first): chr14-50757054-AAACCAG-A. GRCh37 (hg19) VCF-style: chr14-51223772-AAACCAG-A.
Other names: c.3970_3975del, p.1323VL[1] (NM_182944.3, NM_182946.2); c.2400-2193_2400-2188del (NM_016350.5).
Identifiers: ClinVar variation 3710546 (VCV003710546.2).
Genomic context (GRCh38, chr14:50,757,054, plus strand): 5'-AGCAGTCACACCGCTGGACCACGCTTTCCTGAAGCTTCTCAATCTTGCCTTGAAGTCTCA[AAACCAG>A]AACATTCAGCCCCTCATTTTCTATTTTGACCTCATCGTAACTCTTTTCCAGGCTGAGGAA-3'